The following is an entry in ClinVar:

NM_177438.3(DICER1):c.5451T>G (p.Gly1817=)

Gene: DICER1 (dicer 1, ribonuclease III; minus strand). Cytogenetic location: 14q32.13.
Variant type: single nucleotide variant.
Coding change: c.5451T>G on transcript NM_177438.3 (MANE Select); coding-DNA position 5451, T replaced by G.
Protein change: p.Gly1817=; no amino-acid change (glycine 1817 retained).
Molecular consequence: synonymous variant. On other transcripts: non-coding transcript variant (6), intron variant (1).
Genome position (GRCh38, 1-based): chr14:95,091,279, A>C on the plus strand (T>G on the coding strand, the complement: DICER1 is on the minus strand). VCF-style: chr14-95091279-A-C. GRCh37 (hg19) VCF-style: chr14-95557616-A-C.
Other names: c.5451T>G, p.Gly1817= (NM_001271282.3, NM_001291628.2, NM_001395677.1 and 8 more transcripts); c.5169T>G, p.Gly1723= (NM_001395686.1); c.5046T>G, p.Gly1682= (NM_001395687.1, NM_001395688.1, NM_001395689.1 and 1 more transcripts); c.4884T>G, p.Gly1628= (NM_001395691.1); c.3768T>G, p.Gly1256= (NM_001395697.1); c.5365-170T>G (NM_001195573.1).
Identifiers: ClinVar variation 1747619 (VCV001747619.5), dbSNP rs1181795056, ClinGen allele CA487843712.

ClinVar aggregate classification (germline): Conflicting classifications of pathogenicity. Review status: criteria provided, conflicting classifications (1 of 4 stars). 3 submissions from 3 submitters: Uncertain significance (1); Benign (1); Likely benign (1). Last evaluated 2026-04-21.

Conditions:
DICER1-related tumor predisposition. Also called: DICER1 syndrome; DICER1-related pleuropulmonary blastoma cancer predisposition syndrome. Identifiers: Orphanet 284343, MedGen C3839822, MONDO:0100216.
Hereditary cancer-predisposing syndrome. Also called: Neoplastic Syndromes, Hereditary; Tumor predisposition; Hereditary neoplastic syndrome; Hereditary Cancer Syndrome. Identifiers: Orphanet 140162, MedGen C0027672, MeSH D009386, MONDO:0015356.

Allele frequency attached by ClinVar (database versions not stated): TOPMed below 0.00001.

Submissions (3):

Myriad Genetics, Inc.
Classification: Benign for DICER1-related tumor predisposition. Last evaluated: 2026-04-21. Review status: criteria provided, single submitter. Criteria: Myriad Autosomal Dominant, Autosomal Recessive and X-Linked Classification Criteria (2023). Collection method: clinical testing. Allele origin: unknown.
Comment: This variant is considered benign. This variant is a silent/synonymous amino acid change and it is not expected to impact splicing.

Ambry Genetics
Classification: Uncertain significance for Hereditary cancer-predisposing syndrome. Last evaluated: 2026-03-25. Review status: criteria provided, single submitter. Criteria: Ambry Variant Classification Scheme 2023. Collection method: clinical testing. Allele origin: germline.
Comment: The c.5451T>G variant (also known as p.G1817G), located in coding exon 24 of the DICER1 gene, results from a T to G substitution at nucleotide position 5451. This nucleotide substitution does not change the amino acid at codon 1817. This nucleotide position is not well conserved in available vertebrate species. In silico splice site analysis predicts that this alteration will not have any significant effect on splicing. RNA studies have demonstrated that this variant results in an incomplete splice defect; the clinical impact of this abnormal splicing is unknown at this time (Ambry internal data). Based on the available evidence, the clinical significance of this variant remains unclear.

Labcorp Genetics (formerly Invitae), Labcorp
Classification: Likely benign for DICER1-related tumor predisposition. Last evaluated: 2025-11-04. Review status: criteria provided, single submitter. Criteria: Invitae Variant Classification Sherloc (09022015). Collection method: clinical testing. Allele origin: germline.